The following is an entry in ClinVar:

NM_001378452.1(ITPR1):c.8166C>A (p.Gly2722=)

Gene: ITPR1 (inositol 1,4,5-trisphosphate receptor type 1; plus strand). Cytogenetic location: 3p26.1.
Variant type: single nucleotide variant.
Coding change: c.8166C>A on transcript NM_001378452.1 (MANE Select); coding-DNA position 8166, C replaced by A.
Protein change: p.Gly2722=; no amino-acid change (glycine 2722 retained).
Molecular consequence: synonymous variant.
Genome position (GRCh38, 1-based): chr3:4,836,911, C>A. VCF-style: chr3-4836911-C-A. GRCh37 (hg19) VCF-style: chr3-4878595-C-A.
Other names: p.Gly2659=; c.7977C>A (NM_002222.6); c.8022C>A, p.Gly2674= (NM_001099952.4); c.8121C>A, p.Gly2707= (NM_001168272.2); c.7977C>A, p.Gly2659= (NM_002222.7).
Identifiers: ClinVar variation 345893 (VCV000345893.23), dbSNP rs73098087, ClinGen allele CA2233086.

ClinVar aggregate classification (germline): Benign. Review status: criteria provided, multiple submitters, no conflicts (2 of 4 stars). 8 submissions from 8 submitters: Benign (6). 2 of the submissions do not count toward it. Last evaluated 2026-02-01.

Conditions:
Autosomal dominant cerebellar ataxia. Also called: Spinocerebellar Ataxia, Dominant. Identifiers: Orphanet 99, MedGen C4087347, MONDO:0020380.

Allele frequency attached by ClinVar (database versions not stated): ExAC 0.00537; gnomAD exomes 0.00538; ESP Exome Variant Server 0.01194; 1000 Genomes Project 0.01198; gnomAD 0.01222 and 0.01305; 1000 Genomes Project 30x 0.01359; TOPMed 0.01364.
gnomAD v4.1: 5,915 of 1,591,108 alleles (0.37%); highest among the groups gnomAD compares: African/African-American, 3.6%; 77 homozygotes.

Submissions (8):

Labcorp Genetics (formerly Invitae), Labcorp
Classification: Benign. Last evaluated: 2026-02-01. Review status: criteria provided, single submitter. Criteria: Invitae Variant Classification Sherloc (09022015). Collection method: clinical testing. Allele origin: germline.

Athena Diagnostics
Classification: Benign. Last evaluated: 2024-02-05. Review status: criteria provided, single submitter. Criteria: Athena Diagnostics Criteria. Collection method: clinical testing. Allele origin: unknown.

Mayo Clinic Laboratories, Mayo Clinic
Classification: Benign. Last evaluated: 2024-01-02. Review status: criteria provided, single submitter. Criteria: ACMG Guidelines, 2015. Collection method: clinical testing. Allele origin: germline. Observed: 5 variant alleles.
Comment: BA1, BS2, BP4, BP7

GeneDx
Classification: Benign. Last evaluated: 2020-12-07. Review status: criteria provided, single submitter. Criteria: GeneDx Variant Classification Process June 2021. Collection method: clinical testing. Allele origin: germline. Affected: yes.

Illumina Laboratory Services, Illumina
Classification: Benign for Spinocerebellar Ataxia, Dominant. Last evaluated: 2018-01-12. Review status: criteria provided, single submitter. Criteria: ICSL Variant Classification Criteria 13 December 2019. Collection method: clinical testing. Allele origin: germline.
Comment: This variant was observed in the ICSL laboratory as part of a predisposition screen in an ostensibly healthy population. It had not been previously curated by ICSL or reported in the Human Gene Mutation Database (HGMD: prior to June 1st, 2018), and was therefore a candidate for classification through an automated scoring system. Utilizing variant allele frequency, disease prevalence and penetrance estimates, and inheritance mode, an automated score was calculated to assess if this variant is too frequent to cause the disease. Based on the score and internal cut-off values, a variant classified as benign is not then subjected to further curation. The score for this variant resulted in a classification of benign for this disease.

Breakthrough Genomics
Classification: Benign. Review status: criteria provided, single submitter. Criteria: ACMG Guidelines, 2015. Collection method: not provided. Allele origin: germline. Inheritance: Autosomal dominant inheritance. Affected: yes.

Clinical Genetics DNA and cytogenetics Diagnostics Lab, Erasmus MC, Erasmus Medical Center
Classification: Likely benign. Review status: no assertion criteria provided. Collection method: clinical testing. Allele origin: germline. Affected: yes. Study: VKGL Data-share Consensus. Not counted in ClinVar's aggregate classification.

Diagnostic Laboratory, Department of Genetics, University Medical Center Groningen
Classification: Benign. Review status: no assertion criteria provided. Collection method: clinical testing. Allele origin: germline. Affected: yes. Study: VKGL Data-share Consensus. Not counted in ClinVar's aggregate classification.